The following is an entry in ClinVar:

NM_020461.4(TUBGCP6):c.3793C>T (p.Arg1265Trp)

Gene: TUBGCP6 (tubulin gamma complex component 6; minus strand). Cytogenetic location: 22q13.33.
Variant type: single nucleotide variant.
Coding change: c.3793C>T on transcript NM_020461.4 (MANE Select); coding-DNA position 3793, C replaced by T.
Protein change: p.Arg1265Trp; replaces arginine 1265 with tryptophan.
Molecular consequence: missense variant.
Genome position (GRCh38, 1-based): chr22:50,220,566, G>A on the plus strand (C>T on the coding strand, the complement: TUBGCP6 is on the minus strand). VCF-style: chr22-50220566-G-A. GRCh37 (hg19) VCF-style: chr22-50658995-G-A.
Other names: short protein forms R1265W.
Identifiers: ClinVar variation 847913 (VCV000847913.6), dbSNP rs373248358, ClinGen allele CA10307822.

ClinVar aggregate classification (germline): Conflicting classifications of pathogenicity. Review status: criteria provided, conflicting classifications (1 of 4 stars). 2 submissions from 2 submitters: Uncertain significance (1); Likely benign (1). Last evaluated 2024-09-02.

Conditions:
Inborn genetic diseases. Identifiers: MedGen C0950123, MeSH D030342.

Allele frequency attached by ClinVar (database versions not stated): gnomAD 0.00003 and 0.00004; gnomAD exomes 0.00005 and 0.00019; ESP Exome Variant Server 0.00008; TOPMed 0.00008; ExAC 0.00019.
gnomAD v4.1: 75 of 1,613,584 alleles (0.0046%); highest among the groups gnomAD compares: Admixed American, 0.067%; 1 homozygote.

Submissions (2):

Ambry Genetics
Classification: Likely benign for Inborn genetic diseases. Last evaluated: 2024-09-02. Review status: criteria provided, single submitter. Criteria: Ambry Variant Classification Scheme 2023. Collection method: clinical testing. Allele origin: germline.

Labcorp Genetics (formerly Invitae), Labcorp
Classification: Uncertain significance. Last evaluated: 2022-10-24. Review status: criteria provided, single submitter. Criteria: Invitae Variant Classification Sherloc (09022015). Collection method: clinical testing. Allele origin: germline.
Comment: This sequence change replaces arginine, which is basic and polar, with tryptophan, which is neutral and slightly polar, at codon 1265 of the TUBGCP6 protein (p.Arg1265Trp). This variant is present in population databases (rs373248358, gnomAD 0.08%). This variant has not been reported in the literature in individuals affected with TUBGCP6-related conditions. ClinVar contains an entry for this variant (Variation ID: 847913). Algorithms developed to predict the effect of missense changes on protein structure and function are either unavailable or do not agree on the potential impact of this missense change (SIFT: "Deleterious"; PolyPhen-2: "Benign"; Align-GVGD: "Class C0"). In summary, the available evidence is currently insufficient to determine the role of this variant in disease. Therefore, it has been classified as a Variant of Uncertain Significance.